The following is an entry in ClinVar:

ClinVar aggregate classification (germline): Uncertain significance (1 of 4 stars; one submission).

Conditions:
Schimke immuno-osseous dysplasia (SIOD). Also called: Schimke Immunoosseous Dysplasia. Identifiers: Orphanet 1830, MedGen C0877024, MONDO:0009458, OMIM 242900.

Allele frequency attached by ClinVar (database versions not stated): gnomAD exomes below 0.00001.

Submission:

Labcorp Genetics (formerly Invitae), Labcorp
Classification: Uncertain significance for Schimke immuno-osseous dysplasia. Last evaluated: 2022-06-11. Review status: criteria provided, single submitter. Criteria: Invitae Variant Classification Sherloc (09022015). Collection method: clinical testing. Allele origin: germline.
Comment: This sequence change replaces proline, which is neutral and non-polar, with alanine, which is neutral and non-polar, at codon 312 of the SMARCAL1 protein (p.Pro312Ala). This variant is present in population databases (no rsID available, gnomAD 0.0009%). This variant has not been reported in the literature in individuals affected with SMARCAL1-related conditions. Algorithms developed to predict the effect of missense changes on protein structure and function output the following: SIFT: "Tolerated"; PolyPhen-2: "Benign"; Align-GVGD: "Class C0". The alanine amino acid residue is found in multiple mammalian species, which suggests that this missense change does not adversely affect protein function. In summary, the available evidence is currently insufficient to determine the role of this variant in disease. Therefore, it has been classified as a Variant of Uncertain Significance.

NM_014140.4(SMARCAL1):c.934C>G (p.Pro312Ala)

Gene: SMARCAL1 (SNF2 related chromatin remodeling annealing helicase 1; plus strand). Cytogenetic location: 2q35.
Variant type: single nucleotide variant.
Coding change: c.934C>G on transcript NM_014140.4 (MANE Select); coding-DNA position 934, C replaced by G.
Protein change: p.Pro312Ala; replaces proline 312 with alanine.
Molecular consequence: missense variant.
Genome position (GRCh38, 1-based): chr2:216,420,370, C>G. VCF-style: chr2-216420370-C-G. GRCh37 (hg19) VCF-style: chr2-217285093-C-G.
Other names: c.934C>G, p.Pro312Ala (NM_001127207.2); short protein forms P312A.
Identifiers: ClinVar variation 1933262 (VCV001933262.2), dbSNP rs1489975642, ClinGen allele CA350498400.